The following is an entry in ClinVar:

NM_018124.4(RFWD3):c.967C>G (p.Gln323Glu)

Gene: RFWD3 (ring finger and WD repeat domain 3; minus strand). Cytogenetic location: 16q23.1.
Variant type: single nucleotide variant.
Coding change: c.967C>G on transcript NM_018124.4 (MANE Select); coding-DNA position 967, C replaced by G.
Protein change: p.Gln323Glu; replaces glutamine 323 with glutamic acid.
Molecular consequence: missense variant.
Genome position (GRCh38, 1-based): chr16:74,644,561, G>C on the plus strand (C>G on the coding strand, the complement: RFWD3 is on the minus strand). VCF-style: chr16-74644561-G-C. GRCh37 (hg19) VCF-style: chr16-74678459-G-C.
Other names: c.967C>G, p.Gln323Glu (NM_001370534.1, NM_001370535.1, NM_001370536.1); c.133C>G, p.Gln45Glu (NM_001370537.1, NM_001370539.1, NM_001370540.1 and 3 more transcripts); c.967C>G (NM_018124.3); short protein forms Q323E, Q45E.
Identifiers: ClinVar variation 1974469 (VCV001974469.6), dbSNP rs747905365, ClinGen allele CA8169387.

ClinVar aggregate classification (germline): Uncertain significance. Review status: criteria provided, multiple submitters, no conflicts (2 of 4 stars). 2 submissions from 2 submitters: Uncertain significance (2). Last evaluated 2025-12-16.

Allele frequency attached by ClinVar (database versions not stated): gnomAD exomes below 0.00001; TOPMed below 0.00001; gnomAD 0.00001; ExAC 0.00002.
gnomAD v4.1: 7 of 1,614,036 alleles (0.00043%); highest among the groups gnomAD compares: Admixed American, 0.0017%; no homozygotes.

Submissions (2):

Ambry Genetics
Classification: Uncertain significance. Last evaluated: 2025-12-16. Review status: criteria provided, single submitter. Criteria: Ambry Variant Classification Scheme 2023. Collection method: clinical testing. Allele origin: germline.

Labcorp Genetics (formerly Invitae), Labcorp
Classification: Uncertain significance. Last evaluated: 2024-10-14. Review status: criteria provided, single submitter. Criteria: Invitae Variant Classification Sherloc (09022015). Collection method: clinical testing. Allele origin: germline.
Comment: This sequence change replaces glutamine, which is neutral and polar, with glutamic acid, which is acidic and polar, at codon 323 of the RFWD3 protein (p.Gln323Glu). This variant is present in population databases (rs747905365, gnomAD 0.003%). This variant has not been reported in the literature in individuals affected with RFWD3-related conditions. ClinVar contains an entry for this variant (Variation ID: 1974469). An algorithm developed to predict the effect of missense changes on protein structure and function (PolyPhen-2) suggests that this variant is likely to be disruptive. In summary, the available evidence is currently insufficient to determine the role of this variant in disease. Therefore, it has been classified as a Variant of Uncertain Significance.